The following is an entry in ClinVar:

NM_000283.4(PDE6B):c.174G>A (p.Ala58=)

Gene: PDE6B (phosphodiesterase 6B; plus strand). Cytogenetic location: 4p16.3.
Variant type: single nucleotide variant.
Coding change: c.174G>A on transcript NM_000283.4 (MANE Select); coding-DNA position 174, G replaced by A.
Protein change: p.Ala58=; no amino-acid change (alanine 58 retained).
Molecular consequence: synonymous variant.
Genome position (GRCh38, 1-based): chr4:625,800, G>A. VCF-style: chr4-625800-G-A. GRCh37 (hg19) VCF-style: chr4-619589-G-A.
Other names: c.174G>A (NM_000283.3); c.174G>A, p.Ala58= (NM_001145291.2).
Identifiers: ClinVar variation 1084800 (VCV001084800.11), dbSNP rs1183580191, ClinGen allele CA438053543.

ClinVar aggregate classification (germline): Likely benign. Review status: criteria provided, multiple submitters, no conflicts (2 of 4 stars). 3 submissions from 3 submitters: Likely benign (3). Last evaluated 2025-11-17.

Conditions:
PDE6B-related disorder. Also called: PDE6B-related disease; PDE6B-related condition; PDE6B-related disorders.

Allele frequency attached by ClinVar (database versions not stated): gnomAD 0.00001; gnomAD exomes 0.00001; TOPMed 0.00003.
gnomAD v4.1: 37 of 1,613,152 alleles (0.0023%); highest among the groups gnomAD compares: Middle Eastern, 0.033%; no homozygotes.

Submissions (3):

Labcorp Genetics (formerly Invitae), Labcorp
Classification: Likely benign. Last evaluated: 2025-11-17. Review status: criteria provided, single submitter. Criteria: Invitae Variant Classification Sherloc (09022015). Collection method: clinical testing. Allele origin: germline.

PreventionGenetics, part of Exact Sciences
Classification: Likely benign for PDE6B-related condition. Last evaluated: 2025-11-12. Review status: criteria provided, single submitter. Criteria: ACMG Guidelines, 2015. Collection method: clinical testing. Allele origin: germline.
Comment: This variant is classified as likely benign based on ACMG/AMP sequence variant interpretation guidelines (Richards et al. 2015 PMID: 25741868, with internal and published modifications).

Blueprint Genetics
Classification: Likely benign. Last evaluated: 2023-09-22. Review status: criteria provided, single submitter. Criteria: ACMG Guidelines, 2015. Collection method: clinical testing. Allele origin: germline.